The following is an entry in ClinVar:

NM_001365951.3(KIF1B):c.4171C>T (p.Leu1391=)

Gene: KIF1B (kinesin family member 1B; plus strand). Cytogenetic location: 1p36.22.
Variant type: single nucleotide variant.
Coding change: c.4171C>T on transcript NM_001365951.3 (MANE Select); coding-DNA position 4171, C replaced by T.
Protein change: p.Leu1391=; no amino-acid change (leucine 1391 retained).
Molecular consequence: synonymous variant.
Genome position (GRCh38, 1-based): chr1:10,361,692, C>T. VCF-style: chr1-10361692-C-T. GRCh37 (hg19) VCF-style: chr1-10421750-C-T.
Other names: c.4171C>T, p.Leu1391= (NM_001365952.1); c.4033C>T, p.Leu1345= (NM_015074.3).
Identifiers: ClinVar variation 962432 (VCV000962432.12), dbSNP rs1035373795, ClinGen allele CA17847645.

ClinVar aggregate classification (germline): Conflicting classifications of pathogenicity. Review status: criteria provided, conflicting classifications (1 of 4 stars). 2 submissions from 2 submitters: Uncertain significance (1); Benign (1). Last evaluated 2025-07-27.

Conditions:
Charcot-Marie-Tooth disease type 2. Also called: Charcot-Marie-Tooth type 2. Identifiers: Orphanet 64746, MedGen C0270914, MONDO:0018993.

Allele frequency attached by ClinVar (database versions not stated): TOPMed 0.00004; gnomAD 0.00007; gnomAD exomes 0.00001 and 0.00004.
gnomAD v4.1: 26 of 1,613,714 alleles (0.0016%); highest among the groups gnomAD compares: Admixed American, 0.028%; no homozygotes.

Submissions (2):

Labcorp Genetics (formerly Invitae), Labcorp
Classification: Uncertain significance for Charcot-Marie-Tooth disease type 2. Last evaluated: 2025-07-27. Review status: criteria provided, single submitter. Criteria: Invitae Variant Classification Sherloc (09022015). Collection method: clinical testing. Allele origin: germline.
Comment: This sequence change affects codon 1345 of the KIF1B mRNA. It is a 'silent' change, meaning that it does not change the encoded amino acid sequence of the KIF1B protein. It affects a nucleotide within the consensus splice site. This variant is present in population databases (no rsID available, gnomAD 0.02%). This variant has not been reported in the literature in individuals affected with KIF1B-related conditions. ClinVar contains an entry for this variant (Variation ID: 962432). Algorithms developed to predict the effect of sequence changes on RNA splicing suggest that this variant is not likely to affect RNA splicing. In summary, the available evidence is currently insufficient to determine the role of this variant in disease. Therefore, it has been classified as a Variant of Uncertain Significance.

Ambry Genetics
Classification: Benign. Last evaluated: 2021-02-04. Review status: criteria provided, single submitter. Criteria: Ambry Variant Classification Scheme 2023. Collection method: clinical testing. Allele origin: germline.